The following is an entry in ClinVar:

NM_000245.4(MET):c.3443G>A (p.Arg1148Gln)

Gene: MET (MET proto-oncogene, receptor tyrosine kinase; plus strand). Cytogenetic location: 7q31.2.
Variant type: single nucleotide variant.
Coding change: c.3443G>A on transcript NM_000245.4 (MANE Select); coding-DNA position 3443, G replaced by A.
Protein change: p.Arg1148Gln; replaces arginine 1148 with glutamine.
Molecular consequence: missense variant.
Genome position (GRCh38, 1-based): chr7:116,778,878, G>A. VCF-style: chr7-116778878-G-A. GRCh37 (hg19) VCF-style: chr7-116418932-G-A.
Other names: c.3497G>A (LRG_662t1, NM_001127500.2); c.3497G>A, p.Arg1166Gln (NM_001127500.3); c.2153G>A, p.Arg718Gln (NM_001324402.2); short protein forms R1166Q, R718Q, R1148Q.
Identifiers: ClinVar variation 411910 (VCV000411910.14), dbSNP rs761808213, ClinGen allele CA4448723.

ClinVar aggregate classification (germline): Conflicting classifications of pathogenicity. Review status: criteria provided, conflicting classifications (1 of 4 stars). 6 submissions from 6 submitters: Uncertain significance (5); Likely benign (1). Last evaluated 2025-11-05.

Conditions:
MET-related disorder. Also called: MET-related condition.
Renal cell carcinoma. Identifiers: Orphanet 217071, MedGen C0007134, MeSH D002292, MONDO:0005086, HP:0005584.
Autosomal recessive nonsyndromic hearing loss 97. Also called: Deafness, autosomal recessive 97. Identifiers: Orphanet 90636, MedGen C4084709, MONDO:0014739, OMIM 616705.
Hereditary cancer-predisposing syndrome. Also called: Neoplastic Syndromes, Hereditary; Tumor predisposition; Hereditary Cancer Syndrome; Hereditary neoplastic syndrome. Identifiers: Orphanet 140162, MedGen C0027672, MeSH D009386, MONDO:0015356.

Allele frequency attached by ClinVar (database versions not stated): ExAC 0.00001; gnomAD 0.00001; gnomAD exomes 0.00001; TOPMed 0.00002.

Submissions (6):

Labcorp Genetics (formerly Invitae), Labcorp
Classification: Uncertain significance for Renal cell carcinoma. Last evaluated: 2025-11-05. Review status: criteria provided, single submitter. Criteria: Invitae Variant Classification Sherloc (09022015). Collection method: clinical testing. Allele origin: germline.
Comment: This sequence change replaces arginine, which is basic and polar, with glutamine, which is neutral and polar, at codon 1166 of the MET protein (p.Arg1166Gln). This variant is present in population databases (rs761808213, gnomAD 0.002%). This missense change has been observed in individual(s) with diffuse large B cell lymphoma (DLBCL) (PMID: 16189274). ClinVar contains an entry for this variant (Variation ID: 411910). Invitae Evidence Modeling of protein sequence and biophysical properties (such as structural, functional, and spatial information, amino acid conservation, physicochemical variation, residue mobility, and thermodynamic stability) indicates that this missense variant is not expected to disrupt MET protein function with a negative predictive value of 80%. In summary, the available evidence is currently insufficient to determine the role of this variant in disease. Therefore, it has been classified as a Variant of Uncertain Significance.

PreventionGenetics, part of Exact Sciences
Classification: Uncertain significance for MET-related condition. Last evaluated: 2025-10-19. Review status: criteria provided, single submitter. Criteria: ACMG Guidelines, 2015. Collection method: clinical testing. Allele origin: germline.
Comment: The MET c.3497G>A variant is predicted to result in the amino acid substitution p.Arg1166Gln. This variant was reported in an individual with Diffuse large B-cell lymphoma (Tjin et al. 2006. PubMed ID: 16189274). This variant is reported in 0.0018% of alleles in individuals of European (Non-Finnish) descent in gnomAD. At this time, the clinical significance of this variant is uncertain due to the absence of conclusive functional and genetic evidence.

Quest Diagnostics Nichols Institute San Juan Capistrano
Classification: Uncertain significance. Last evaluated: 2025-04-15. Review status: criteria provided, single submitter. Criteria: Quest Diagnostics criteria. Collection method: clinical testing. Allele origin: unknown.

Baylor Genetics
Classification: Uncertain significance for Autosomal recessive nonsyndromic hearing loss 97. Last evaluated: 2024-01-02. Review status: criteria provided, single submitter. Criteria: ACMG Guidelines, 2015. Collection method: clinical testing. Allele origin: unknown.

GeneDx
Classification: Uncertain significance. Last evaluated: 2023-08-09. Review status: criteria provided, single submitter. Criteria: GeneDx Variant Classification Process June 2021. Collection method: clinical testing. Allele origin: germline. Affected: yes.
Comment: Not observed at significant frequency in large population cohorts (gnomAD); In silico analysis supports that this missense variant does not alter protein structure/function; Observed in the germline of an individual with diffuse large B-cell lymphoma in published literature (Tjin et al., 2006); This variant is associated with the following publications: (PMID: 25453846, 30797065, 16189274)

Ambry Genetics
Classification: Likely benign for Hereditary cancer-predisposing syndrome. Last evaluated: 2020-03-31. Review status: criteria provided, single submitter. Criteria: Ambry Variant Classification Scheme 2023. Collection method: clinical testing. Allele origin: germline.

Literature cited by the submitters: PubMed 16189274 (cited by Labcorp Genetics (formerly Invitae), Labcorp).